The following is an entry in ClinVar:

NM_133497.4(KCNV2):c.458_459delinsTT (p.Arg153Leu)

Gene: KCNV2 (potassium voltage-gated channel modifier subfamily V member 2; plus strand). Cytogenetic location: 9p24.2.
Variant type: Indel.
Coding change: c.458_459delinsTT on transcript NM_133497.4 (MANE Select); coding-DNA positions 458 to 459, GC replaced by TT.
Protein change: p.Arg153Leu; replaces arginine 153 with leucine.
Molecular consequence: missense variant.
Genome position (GRCh38, 1-based): chr9:2,718,197-2,718,198, GC replaced by TT. VCF-style: chr9-2718197-GC-TT. GRCh37 (hg19) VCF-style: chr9-2718197-GC-TT.
Other names: short protein forms R153L.
Identifiers: ClinVar variation 1721222 (VCV001721222.5), dbSNP rs2536971776, ClinGen allele CA2580080201.

ClinVar aggregate classification (germline): Uncertain significance (1 of 4 stars; one submission).

Submission:

Labcorp Genetics (formerly Invitae), Labcorp
Classification: Uncertain significance. Last evaluated: 2023-10-03. Review status: criteria provided, single submitter. Criteria: Invitae Variant Classification Sherloc (09022015). Collection method: clinical testing. Allele origin: germline.
Comment: This sequence change replaces arginine, which is basic and polar, with leucine, which is neutral and non-polar, at codon 153 of the KCNV2 protein (p.Arg153Leu). Information on the frequency of this variant in the gnomAD database is not available, as this variant may be reported differently in the database. This variant has not been reported in the literature in individuals affected with KCNV2-related conditions. ClinVar contains an entry for this variant (Variation ID: 1721222). An algorithm developed to predict the effect of missense changes on protein structure and function (PolyPhen-2) suggests that this variant is likely to be disruptive. In summary, the available evidence is currently insufficient to determine the role of this variant in disease. Therefore, it has been classified as a Variant of Uncertain Significance.